The following is an entry in ClinVar:

NM_007194.4(CHEK2):c.187T>G (p.Leu63Val)

Gene: CHEK2 (checkpoint kinase 2; minus strand). Cytogenetic location: 22q12.1.
Variant type: single nucleotide variant.
Coding change: c.187T>G on transcript NM_007194.4 (MANE Select); coding-DNA position 187, T replaced by G.
Protein change: p.Leu63Val; replaces leucine 63 with valine.
Molecular consequence: missense variant.
Genome position (GRCh38, 1-based): chr22:28,734,535, A>C on the plus strand (T>G on the coding strand, the complement: CHEK2 is on the minus strand). VCF-style: chr22-28734535-A-C. GRCh37 (hg19) VCF-style: chr22-29130523-A-C.
Other names: c.187T>G, p.Leu63Val (NM_145862.3, NM_001005735.3, NM_001349956.3); c.-591T>G (NM_001257387.3); short protein forms L63V.
Identifiers: ClinVar variation 2862718 (VCV002862718.3), dbSNP rs2518130698, ClinGen allele CA411090849.

ClinVar aggregate classification (germline): Uncertain significance (1 of 4 stars; one submission).

Conditions:
Familial cancer of breast. Also called: hereditary breast carcinoma; Hereditary breast cancer; BREAST CANCER, FAMILIAL. Identifiers: Orphanet 227535, MedGen C0346153, MONDO:0016419, OMIM 114480. Disease mechanism: loss of function.

Submission:

Labcorp Genetics (formerly Invitae), Labcorp
Classification: Uncertain significance for Familial cancer of breast. Last evaluated: 2023-09-03. Review status: criteria provided, single submitter. Criteria: Invitae Variant Classification Sherloc (09022015). Collection method: clinical testing. Allele origin: germline.
Comment: In summary, the available evidence is currently insufficient to determine the role of this variant in disease. Therefore, it has been classified as a Variant of Uncertain Significance. Algorithms developed to predict the effect of missense changes on protein structure and function output the following: SIFT: "Not Available"; PolyPhen-2: "Benign"; Align-GVGD: "Not Available". The valine amino acid residue is found in multiple mammalian species, which suggests that this missense change does not adversely affect protein function. This variant has not been reported in the literature in individuals affected with CHEK2-related conditions. This variant is not present in population databases (gnomAD no frequency). This sequence change replaces leucine, which is neutral and non-polar, with valine, which is neutral and non-polar, at codon 63 of the CHEK2 protein (p.Leu63Val).